The following is an entry in ClinVar:

ClinVar aggregate classification (germline): Conflicting classifications of pathogenicity. Review status: criteria provided, conflicting classifications (1 of 4 stars). 2 submissions from 2 submitters: Likely pathogenic (1); Uncertain significance (1). Last evaluated 2026-01-29.

Conditions:
Meester-Loeys syndrome. Also called: X-linked severe syndromic thoracic aortic aneurysm and dissection. Identifiers: Orphanet 622925, MedGen C4310811, MONDO:0010515, OMIM 300989.

Allele frequency attached by ClinVar (database versions not stated): gnomAD exomes below 0.00001.

Submissions (2):

Labcorp Genetics (formerly Invitae), Labcorp
Classification: Uncertain significance. Last evaluated: 2026-01-29. Review status: criteria provided, single submitter. Criteria: Invitae Variant Classification Sherloc (09022015). Collection method: clinical testing. Allele origin: germline.
Comment: This sequence change replaces glutamic acid, which is acidic and polar, with lysine, which is basic and polar, at codon 189 of the BGN protein (p.Glu189Lys). RNA analysis indicates that this missense change induces altered splicing and may result in an absent or altered protein product. This variant is not present in population databases (gnomAD no frequency). This missense change has been observed in individual(s) with Meester-Loeys syndrome (PMID: 38531898). ClinVar contains an entry for this variant (Variation ID: 2663757). An algorithm developed to predict the effect of missense changes on protein structure and function (PolyPhen-2) suggests that this variant is likely to be disruptive. Variants that disrupt the consensus splice site are a relatively common cause of aberrant splicing (PMID: 17576681, 9536098). Studies have shown that this missense change results in activation of a cryptic splice site, and produces a non-functional protein and/or introduces a premature termination codon (PMID: 38531898). In summary, the available evidence is currently insufficient to determine the role of this variant in disease. Therefore, it has been classified as a Variant of Uncertain Significance.

Centre of Medical Genetics, University of Antwerp
Classification: Likely pathogenic for Meester-Loeys syndrome. Last evaluated: 2023-10-20. Review status: criteria provided, single submitter. Criteria: ACMG Guidelines, 2015. Collection method: research, in vitro. Allele origin: maternal, not applicable. Affected: yes. Functional consequence: frameshift variant NMD escaping, absent gene product.

Literature cited by the submitters: PubMed 38531898 (cited by Labcorp Genetics (formerly Invitae), Labcorp); PubMed 17576681 (cited by Labcorp Genetics (formerly Invitae), Labcorp); PubMed 9536098 (cited by Labcorp Genetics (formerly Invitae), Labcorp).

NM_001711.6(BGN):c.565G>A (p.Glu189Lys)

Gene: BGN (biglycan; plus strand). Cytogenetic location: Xq28.
Variant type: single nucleotide variant.
Coding change: c.565G>A on transcript NM_001711.6 (MANE Select); coding-DNA position 565, G replaced by A.
Protein change: p.Glu189Lys; replaces glutamic acid 189 with lysine.
Molecular consequence: missense variant.
Genome position (GRCh38, 1-based): chrX:153,506,076, G>A. VCF-style: chrX-153506076-G-A. GRCh37 (hg19) VCF-style: chrX-152771534-G-A.
Other names: short protein forms E189K.
Identifiers: ClinVar variation 2663757 (VCV002663757.5), dbSNP rs1556993081, ClinGen allele CA415070158.